The following is an entry in ClinVar:

NM_002476.2(MYL4):c.455G>A (p.Gly152Asp)

Gene: MYL4 (myosin light chain 4; plus strand). Cytogenetic location: 17q21.32.
Variant type: single nucleotide variant.
Coding change: c.455G>A on transcript NM_002476.2 (MANE Select); coding-DNA position 455, G replaced by A.
Protein change: p.Gly152Asp; replaces glycine 152 with aspartic acid.
Molecular consequence: missense variant.
Genome position (GRCh38, 1-based): chr17:47,221,823, G>A. VCF-style: chr17-47221823-G-A. GRCh37 (hg19) VCF-style: chr17-45299189-G-A.
Other names: c.455G>A, p.Gly152Asp (NM_001002841.2); short protein forms G152D.
Identifiers: ClinVar variation 2195755 (VCV002195755.5), dbSNP rs1469104841, ClinGen allele CA400022628.

ClinVar aggregate classification (germline): Uncertain significance. Review status: criteria provided, multiple submitters, no conflicts (2 of 4 stars). 2 submissions from 2 submitters: Uncertain significance (2). Last evaluated 2025-09-02.

Conditions:
Atrial fibrillation, familial, 18 (ATFB18). Identifiers: MedGen C4310636, MONDO:0015001, OMIM 617280.

Allele frequency attached by ClinVar (database versions not stated): gnomAD exomes 0.00002; TOPMed 0.00008; gnomAD 0.00013.
gnomAD v4.1: 28 of 1,613,936 alleles (0.0017%); highest among the groups gnomAD compares: Admixed American, 0.047%; no homozygotes.

Submissions (2):

Labcorp Genetics (formerly Invitae), Labcorp
Classification: Uncertain significance for Atrial fibrillation, familial, 18. Last evaluated: 2025-09-02. Review status: criteria provided, single submitter. Criteria: Invitae Variant Classification Sherloc (09022015). Collection method: clinical testing. Allele origin: germline.
Comment: This sequence change replaces glycine, which is neutral and non-polar, with aspartic acid, which is acidic and polar, at codon 152 of the MYL4 protein (p.Gly152Asp). This variant is present in population databases (no rsID available, gnomAD 0.02%). This variant has not been reported in the literature in individuals affected with MYL4-related conditions. ClinVar contains an entry for this variant (Variation ID: 2195755). An algorithm developed to predict the effect of missense changes on protein structure and function (PolyPhen-2) suggests that this variant is likely to be disruptive. In summary, the available evidence is currently insufficient to determine the role of this variant in disease. Therefore, it has been classified as a Variant of Uncertain Significance.

Blueprint Genetics
Classification: Uncertain significance. Last evaluated: 2023-11-10. Review status: criteria provided, single submitter. Criteria: ACMG Guidelines, 2015. Collection method: clinical testing. Allele origin: germline.